The following is an entry in ClinVar:

ClinVar aggregate classification (germline): Uncertain significance (1 of 4 stars; one submission).

Conditions:
Walker-Warburg congenital muscular dystrophy. Also called: Muscular dystrophy-dystroglycanopathy, type A; Walker-Warburg syndrome. Identifiers: Orphanet 899, MedGen C0265221, MONDO:0000171.

Submission:

Labcorp Genetics (formerly Invitae), Labcorp
Classification: Uncertain significance for Walker-Warburg congenital muscular dystrophy. Last evaluated: 2022-02-09. Review status: criteria provided, single submitter. Criteria: Invitae Variant Classification Sherloc (09022015). Collection method: clinical testing. Allele origin: germline.
Comment: This sequence change replaces serine, which is neutral and polar, with isoleucine, which is neutral and non-polar, at codon 180 of the FKTN protein (p.Ser180Ile). In summary, the available evidence is currently insufficient to determine the role of this variant in disease. Therefore, it has been classified as a Variant of Uncertain Significance. Algorithms developed to predict the effect of missense changes on protein structure and function (SIFT, PolyPhen-2, Align-GVGD) all suggest that this variant is likely to be tolerated. This variant has not been reported in the literature in individuals affected with FKTN-related conditions. This variant is not present in population databases (gnomAD no frequency).

NM_001079802.2(FKTN):c.539G>T (p.Ser180Ile)

Gene: FKTN (fukutin; plus strand). Cytogenetic location: 9q31.2.
Variant type: single nucleotide variant.
Coding change: c.539G>T on transcript NM_001079802.2 (MANE Select); coding-DNA position 539, G replaced by T.
Protein change: p.Ser180Ile; replaces serine 180 with isoleucine.
Molecular consequence: missense variant. On other transcripts: non-coding transcript variant (2).
Genome position (GRCh38, 1-based): chr9:105,604,384, G>T. VCF-style: chr9-105604384-G-T. GRCh37 (hg19) VCF-style: chr9-108366665-G-T.
Other names: c.539G>T, p.Ser180Ile (NM_001198963.2, NM_001351496.2, NM_001351498.2 and 1 more transcripts); c.470G>T, p.Ser157Ile (NM_001351497.2); c.143G>T, p.Ser48Ile (NM_001351499.2, NM_001351500.2, NM_001351501.2 and 1 more transcripts); short protein forms S48I, S180I, S157I.
Identifiers: ClinVar variation 2095778 (VCV002095778.4), dbSNP rs2539409926, ClinGen allele CA374332209.